The following is an entry in ClinVar:

ClinVar aggregate classification (germline): Uncertain significance. Review status: criteria provided, multiple submitters, no conflicts (2 of 4 stars). 2 submissions from 2 submitters: Uncertain significance (2). Last evaluated 2024-01-02.

Conditions:
Inborn genetic diseases. Identifiers: MedGen C0950123, MeSH D030342.

Allele frequency attached by ClinVar (database versions not stated): ExAC 0.00001; gnomAD exomes 0.00001; TOPMed 0.00001; gnomAD 0.00002.
gnomAD v4.1: 16 of 1,608,802 alleles (0.00099%); highest among the groups gnomAD compares: African/African-American, 0.0054%; no homozygotes.

Submissions (2):

Ambry Genetics
Classification: Uncertain significance for Inborn genetic diseases. Last evaluated: 2024-01-02. Review status: criteria provided, single submitter. Criteria: Ambry Variant Classification Scheme 2023. Collection method: clinical testing. Allele origin: germline.

GeneDx
Classification: Uncertain significance. Last evaluated: 2023-12-18. Review status: criteria provided, single submitter. Criteria: GeneDx Variant Classification Process June 2021. Collection method: clinical testing. Allele origin: germline. Affected: yes.
Comment: In silico analysis supports that this missense variant has a deleterious effect on protein structure/function; Has not been previously published as pathogenic or benign to our knowledge; Reported using an alternate transcript (non-epithelial isoform) of the gene

NM_001374736.1(DST):c.1147C>T (p.Arg383Trp)

Gene: DST (dystonin; minus strand). Cytogenetic location: 6p12.1.
Variant type: single nucleotide variant.
Coding change: c.1147C>T on transcript NM_001374736.1 (MANE Select); coding-DNA position 1147, C replaced by T.
Protein change: p.Arg383Trp; replaces arginine 383 with tryptophan.
Molecular consequence: missense variant.
Genome position (GRCh38, 1-based): chr6:56,670,708, G>A on the plus strand (C>T on the coding strand, the complement: DST is on the minus strand). VCF-style: chr6-56670708-G-A. GRCh37 (hg19) VCF-style: chr6-56535506-G-A.
Other names: c.1048C>T, p.Arg350Trp (NM_001144769.5); c.634C>T, p.Arg212Trp (NM_001144770.2); c.1147C>T, p.Arg383Trp (NM_001374722.1); c.514C>T, p.Arg172Trp (NM_001374729.1, NM_001374730.1, NM_001386100.1 and 1 more transcripts); c.1174C>T, p.Arg392Trp (NM_001374734.1); short protein forms R212W, R383W, R172W, R350W, R392W.
Identifiers: ClinVar variation 3086027 (VCV003086027.2), dbSNP rs767667427, ClinGen allele CA3871753.